The following is an entry in ClinVar:

NM_023036.6(DNAI2):c.1376G>A (p.Arg459Gln)

Gene: DNAI2 (dynein axonemal intermediate chain 2; plus strand). Cytogenetic location: 17q25.1.
Variant type: single nucleotide variant.
Coding change: c.1376G>A on transcript NM_023036.6 (MANE Select); coding-DNA position 1376, G replaced by A.
Protein change: p.Arg459Gln; replaces arginine 459 with glutamine.
Molecular consequence: missense variant. On other transcripts: non-coding transcript variant (1), intron variant (1).
Genome position (GRCh38, 1-based): chr17:74,310,045, G>A. VCF-style: chr17-74310045-G-A. GRCh37 (hg19) VCF-style: chr17-72306184-G-A.
Other names: c.1376G>A, p.Arg459Gln (NM_001353167.2); c.1348-8G>A (NM_001172810.3); short protein forms R459Q.
Identifiers: ClinVar variation 2062575 (VCV002062575.3), dbSNP rs774591252, ClinGen allele CA8745766.
Genomic context (GRCh38, chr17:74,310,045, plus strand): 5'-CTCTACCTGGGTCTGCCCGGCCCCTTCAATAGGTGTGTGACGAGGCCCTCTTCTGCCTCC[G>A]GGTGCAGGACAATGGGTGTCTCATCGCCTGCGGCTCCCAGCTGGGGACAACCACCCTGCT-3'
Protein context (NP_075462.3, residues 449-469): KVCDEALFCL[Arg459Gln]VQDNGCLIAC

ClinVar aggregate classification (germline): Uncertain significance. Review status: criteria provided, multiple submitters, no conflicts (2 of 4 stars). 2 submissions from 2 submitters: Uncertain significance (2). Last evaluated 2026-04-06.

Conditions:
Primary ciliary dyskinesia. Also called: Ciliary dyskinesia. Identifiers: Orphanet 244, MedGen C0008780, MONDO:0016575, HP:0012265.
Primary ciliary dyskinesia 9. Also called: CILIARY DYSKINESIA, PRIMARY, 9, WITH OR WITHOUT SITUS INVERSUS. Identifiers: Orphanet 244, MedGen C2676235, MONDO:0012906, OMIM 612444.

Allele frequency attached by ClinVar (database versions not stated): TOPMed below 0.00001; ExAC 0.00001; gnomAD exomes 0.00001.
gnomAD v4.1: 7 of 1,613,872 alleles (0.00043%); highest among the groups gnomAD compares: Non-Finnish European, 0.00059%; no homozygotes.

Submissions (2):

Myriad Genetics, Inc.
Classification: Uncertain significance for Primary ciliary dyskinesia 9. Last evaluated: 2026-04-06. Review status: criteria provided, single submitter. Criteria: Myriad Autosomal Dominant, Autosomal Recessive and X-Linked Classification Criteria (2023). Collection method: clinical testing. Allele origin: unknown.
Comment: NM_023036.4(DNAI2):c.1376G>A(R459Q) is a missense variant classified as a variant of uncertain significance in the context of primary ciliary dyskinesia, DNAI2-related. R459Q has not been observed in cases with relevant disease. Relevant functional assessments of this variant are not available in the literature. R459Q has been observed in referenced population frequency databases. In summary, there is insufficient evidence to classify NM_023036.4(DNAI2):c.1376G>A(R459Q) as pathogenic or benign. Please note: this variant was assessed in the context of healthy population screening.

Labcorp Genetics (formerly Invitae), Labcorp
Classification: Uncertain significance for Primary ciliary dyskinesia. Last evaluated: 2025-03-04. Review status: criteria provided, single submitter. Criteria: Invitae Variant Classification Sherloc (09022015). Collection method: clinical testing. Allele origin: germline.
Comment: This sequence change replaces arginine, which is basic and polar, with glutamine, which is neutral and polar, at codon 459 of the DNAI2 protein (p.Arg459Gln). This variant is present in population databases (rs774591252, gnomAD 0.0009%). This missense change has been observed in individual(s) with primary ciliary dyskinesia (internal data). ClinVar contains an entry for this variant (Variation ID: 2062575). Invitae Evidence Modeling of protein sequence and biophysical properties (such as structural, functional, and spatial information, amino acid conservation, physicochemical variation, residue mobility, and thermodynamic stability) indicates that this missense variant is not expected to disrupt DNAI2 protein function with a negative predictive value of 95%. Algorithms developed to predict the effect of sequence changes on RNA splicing suggest that this variant may disrupt the consensus splice site. In summary, the available evidence is currently insufficient to determine the role of this variant in disease. Therefore, it has been classified as a Variant of Uncertain Significance.